The following is an entry in ClinVar:

ClinVar aggregate classification (germline): Likely pathogenic (0 of 4 stars; one submission).

Conditions:
RAI1-related disorder. Also called: RAI1-related condition.

Submission:

PreventionGenetics, part of Exact Sciences
Classification: Likely pathogenic for RAI1-related condition. Last evaluated: 2023-11-07. Review status: no assertion criteria provided. Collection method: clinical testing. Allele origin: germline.
Comment: The RAI1 c.3937_3938delinsT variant is predicted to result in a frameshift and premature protein termination (p.Ala1313Serfs*2). To our knowledge, this variant has not been reported in the literature or in a large population database, indicating this variant is rare. Frameshift variants in RAI1 are expected to be pathogenic. This variant is interpreted as likely pathogenic.

NM_030665.4(RAI1):c.3937_3938delinsT (p.Ala1313fs)

Gene: RAI1 (retinoic acid induced 1; plus strand). Cytogenetic location: 17p11.2.
Variant type: Indel.
Coding change: c.3937_3938delinsT on transcript NM_030665.4 (MANE Select); coding-DNA positions 3937 to 3938, GC replaced by T.
Protein change: p.Ala1313fs; shifts the reading frame from alanine 1313.
Molecular consequence: frameshift variant.
Genome position (GRCh38, 1-based): chr17:17,796,885-17,796,886, GC replaced by T. VCF-style: chr17-17796885-GC-T. GRCh37 (hg19) VCF-style: chr17-17700199-GC-T.
Other names: short protein forms A1313fs.
Identifiers: ClinVar variation 3348799 (VCV003348799.1).